The following is an entry in ClinVar:

ClinVar aggregate classification (germline): Likely pathogenic. Review status: criteria provided, multiple submitters, no conflicts (2 of 4 stars). 2 submissions from 2 submitters: Likely pathogenic (2). Last evaluated 2023-05-19.

Conditions:
Finnish congenital nephrotic syndrome (NPHS1). Also called: NEPHROTIC SYNDROME, TYPE 1. Identifiers: Orphanet 839, MedGen C0403399, MONDO:0009732, OMIM 256300.

Submissions (2):

Women's Health and Genetics/Laboratory Corporation of America, LabCorp
Classification: Likely pathogenic for Finnish congenital nephrotic syndrome. Last evaluated: 2023-05-19. Review status: criteria provided, single submitter. Criteria: LabCorp Variant Classification Summary - May 2015. Collection method: clinical testing. Allele origin: germline.
Comment: Variant summary: NPHS1 c.2930A>G (p.Tyr977Cys) results in a non-conservative amino acid change located in the Fibronectin type III domain (IPR003961) of the encoded protein sequence. Four of five in-silico tools predict a damaging effect of the variant on protein function. 4/4 computational tools predict no significant impact on normal splicing. However, these predictions have yet to be confirmed by functional studies. The variant was absent in 251458 control chromosomes (gnomAD). c.2930A>G has been reported in the literature in 4 compound heterozygous siblings affected with Congenital Nephrotic Syndrome (Ovunc_2012). These data indicate that the variant is likely to be associated with disease. To our knowledge, no experimental evidence demonstrating an impact on protein function has been reported. The following publication has been ascertained in the context of this evaluation (PMID: 22584503). One ClinVar submitter has assessed the variant since 2014: the variant was classified as likely pathogenic. Based on the evidence outlined above, the variant was classified as likely pathogenic.

Illumina Laboratory Services, Illumina
Classification: Likely pathogenic for Finnish congenital nephrotic syndrome. Last evaluated: 2021-08-10. Review status: criteria provided, single submitter. Criteria: ICSLVariantClassificationCriteria RUGD 01 April 2020. Collection method: clinical testing. Allele origin: unknown.
Comment: The NPHS1 c.2930A>G (p.Tyr977Cys) variant is a missense variant located in a splice region that has been reported in trans with the p. Arg1160Ter variant in four siblings with congenital nephrotic syndrome (Ovunc et al. 2012). This variant is not reported in the Genome Aggregation Database (version 2.1.1 or version 3.1.1) in a region of good sequencing coverage, indicating it is rare. The predicted functional effect of the p.Tyr977Cys variant is not consistent across in silico algorithms, and it has not been evaluated experimentally. Based on the collective evidence, the p.Tyr977Cys variant is classified as likely pathogenic for congenital nephrotic syndrome.

Literature cited by the submitters: PubMed 22584503 (cited by Women's Health and Genetics/Laboratory Corporation of America, LabCorp and Illumina Laboratory Services, Illumina).

NM_004646.4(NPHS1):c.2930A>G (p.Tyr977Cys)

Gene: NPHS1 (NPHS1 adhesion molecule, nephrin; minus strand). Cytogenetic location: 19q13.12.
Variant type: single nucleotide variant.
Coding change: c.2930A>G on transcript NM_004646.4 (MANE Select); coding-DNA position 2930, A replaced by G.
Protein change: p.Tyr977Cys; replaces tyrosine 977 with cysteine.
Molecular consequence: missense variant.
Genome position (GRCh38, 1-based): chr19:35,839,416, T>C on the plus strand (A>G on the coding strand, the complement: NPHS1 is on the minus strand). VCF-style: chr19-35839416-T-C. GRCh37 (hg19) VCF-style: chr19-36330318-T-C.
Other names: c.2930A>G (NM_004646.3); short protein forms Y977C.
Identifiers: ClinVar variation 1328157 (VCV001328157.5), dbSNP rs2146816353, ClinGen allele CA405385548.